The following is an entry in ClinVar:

NM_175914.5(HNF4A):c.862C>T (p.Arg288Trp)

Gene: HNF4A (hepatocyte nuclear factor 4 alpha; plus strand). Cytogenetic location: 20q13.12.
Variant type: single nucleotide variant.
Coding change: c.862C>T on transcript NM_175914.5 (MANE Select); coding-DNA position 862, C replaced by T.
Protein change: p.Arg288Trp; replaces arginine 288 with tryptophan.
Molecular consequence: missense variant.
Genome position (GRCh38, 1-based): chr20:44,424,053, C>T. VCF-style: chr20-44424053-C-T. GRCh37 (hg19) VCF-style: chr20-43052693-C-T.
Other names: c.853C>T, p.Arg285Trp (NM_001287184.2, NM_001287182.2, NM_001287183.2); c.928C>T, p.Arg310Trp (NM_178849.3, NM_178850.3, NM_000457.6); c.862C>T, p.Arg288Trp (NM_001030003.3, NM_001030004.3); c.907C>T, p.Arg303Trp (NM_001258355.2); c.862C>T (NM_175914.4); short protein forms R285W, R288W, R303W, R310W.
Identifiers: ClinVar variation 1343853 (VCV001343853.11), dbSNP rs768263630, ClinGen allele CA9870395.

ClinVar aggregate classification (germline): Uncertain significance. Review status: criteria provided, multiple submitters, no conflicts (2 of 4 stars). 3 submissions from 3 submitters: Uncertain significance (3). Last evaluated 2025-01-24.

Conditions:
Maturity-onset diabetes of the young type 1. Also called: MODY, type I; MODY type 1; Diabetes mellitus MODY type 1; MODY HNF4A related; HNF4A-Related Maturity-Onset Diabetes of the Young Type 1; MILD JUVENILE DIABETES MELLITUS. Identifiers: Orphanet 552, MedGen C1852093, MONDO:0007452, OMIM 125850. Disease mechanism: loss of function.
Type 2 diabetes mellitus. Also called: Type II diabetes mellitus. Identifiers: MedGen C0011860, MeSH D003924, MONDO:0005148, OMIM 125853, HP:0005978.
Fanconi renotubular syndrome 4 with maturity-onset diabetes of the young (FRTS4). Also called: FRTS4 WITH MODY. Identifiers: Orphanet 93111, MedGen C4014962, MONDO:0014458, OMIM 616026.

Allele frequency attached by ClinVar (database versions not stated): gnomAD 0.00001; gnomAD exomes 0.00001 and 0.00002; TOPMed 0.00001; ExAC 0.00002.
gnomAD v4.1: 12 of 1,613,212 alleles (0.00074%); highest among the groups gnomAD compares: Admixed American, 0.0033%; no homozygotes.

Submissions (3):

Labcorp Genetics (formerly Invitae), Labcorp
Classification: Uncertain significance. Last evaluated: 2025-01-24. Review status: criteria provided, single submitter. Criteria: Invitae Variant Classification Sherloc (09022015). Collection method: clinical testing. Allele origin: germline.
Comment: This sequence change replaces arginine, which is basic and polar, with tryptophan, which is neutral and slightly polar, at codon 288 of the HNF4A protein (p.Arg288Trp). This variant is present in population databases (rs768263630, gnomAD 0.01%). This missense change has been observed in individual(s) with type 2 diabetes (PMID: 29207974). This variant is also known as R310W. ClinVar contains an entry for this variant (Variation ID: 1343853). Invitae Evidence Modeling of protein sequence and biophysical properties (such as structural, functional, and spatial information, amino acid conservation, physicochemical variation, residue mobility, and thermodynamic stability) has been performed for this missense variant. However, the output from this modeling did not meet the statistical confidence thresholds required to predict the impact of this variant on HNF4A protein function. In summary, the available evidence is currently insufficient to determine the role of this variant in disease. Therefore, it has been classified as a Variant of Uncertain Significance.

GeneDx
Classification: Uncertain significance. Last evaluated: 2024-12-05. Review status: criteria provided, single submitter. Criteria: GeneDx Variant Classification Process June 2021. Collection method: clinical testing. Allele origin: germline. Affected: yes.
Comment: Identified in an individual with early-onset type 2 diabetes in published literature (PMID: 29207974); reported as c.928C>T p.(R310W) due to the use of alternate nomenclature; In silico analysis supports that this missense variant has a deleterious effect on protein structure/function; This variant is associated with the following publications: (PMID: 29207974)

Fulgent Genetics
Classification: Uncertain significance for Maturity-onset diabetes of the young type 1; Type 2 diabetes mellitus; Fanconi renotubular syndrome 4 with maturity-onset diabetes of the young. Last evaluated: 2024-05-10. Review status: criteria provided, single submitter. Criteria: ACMG Guidelines, 2015. Collection method: clinical testing. Allele origin: germline.

Literature cited by the submitters: PubMed 29207974 (cited by Labcorp Genetics (formerly Invitae), Labcorp).